The following is an entry in ClinVar:

NM_021614.4(KCNN2):c.800_801insTGC (p.Ala270_Val271insAla)

Gene: KCNN2 (potassium calcium-activated channel subfamily N member 2; plus strand). Cytogenetic location: 5q22.3.
Variant type: Insertion.
Coding change: c.800_801insTGC on transcript NM_021614.4 (MANE Select); coding-DNA positions 800 to 801, TGC inserted.
Protein change: p.Ala270_Val271insAla.
Molecular consequence: inframe insertion. On other transcripts: non-coding transcript variant (1).
Genome position: GRCh38 VCF-style: chr5-114362937-C-CGCT. GRCh37 (hg19) VCF-style: chr5-113698634-C-CGCT.
Other names: c.998_999insTGC, p.Ala336_Val337insAla (NM_001372233.1).
Identifiers: ClinVar variation 3251996 (VCV003251996.1), dbSNP rs2150045733.

ClinVar aggregate classification (germline): Uncertain significance (1 of 4 stars; one submission).

Conditions:
Dystonia 34, myoclonic (DYT34). Identifiers: MedGen C5676907, MONDO:0030538, OMIM 619724.

Submission:

Diagnostics Services (NGS), CSIR - Centre For Cellular And Molecular Biology
Classification: Uncertain significance for Dystonia 34, myoclonic. Last evaluated: 2024-03-01. Review status: criteria provided, single submitter. Criteria: ACMG Guidelines, 2015. Collection method: clinical testing. Allele origin: unknown. Affected: yes. Observed: 1 variant allele, 1 heterozygote.
Comment: The c.800_801insTGC variant is not present in publicly available population databases like 1000 Genomes, ExAC, EVS, gnomAD, Indian Exome Database or our in-house exome database. This variant has neither been published in literature in individuals affected with KCNN2-related conditions nor reported to the clinical databases like ClinVar, Human Genome Mutation Database (HGMD) or OMIM, in any affected individuals. Predictions from different in-silico pathogenicity prediction programs like MutationTaster2, CADD, Varsome, Franklin etc are inconclusive. This variant is located in a non-repeat region of the gene which causes an in-frame duplication of a single amino acid that changes the protein length.